The following is an entry in ClinVar:

NM_182961.4(SYNE1):c.9649C>A (p.Gln3217Lys)

Gene: SYNE1 (spectrin repeat containing nuclear envelope protein 1; minus strand). Cytogenetic location: 6q25.2.
Variant type: single nucleotide variant.
Coding change: c.9649C>A on transcript NM_182961.4 (MANE Select); coding-DNA position 9649, C replaced by A.
Protein change: p.Gln3217Lys; replaces glutamine 3217 with lysine.
Molecular consequence: missense variant.
Genome position (GRCh38, 1-based): chr6:152,369,473, G>T on the plus strand (C>A on the coding strand, the complement: SYNE1 is on the minus strand). VCF-style: chr6-152369473-G-T. GRCh37 (hg19) VCF-style: chr6-152690608-G-T.
Other names: c.9670C>A, p.Gln3224Lys (NM_033071.5); short protein forms Q3224K, Q3217K.
Identifiers: ClinVar variation 1399970 (VCV001399970.8), dbSNP rs2154085638, ClinGen allele CA366138080.

ClinVar aggregate classification (germline): Uncertain significance (1 of 4 stars; one submission).

Conditions:
Emery-Dreifuss muscular dystrophy 4, autosomal dominant (EDMD4). Also called: EMERY-DREIFUSS MUSCULAR DYSTROPHY 4 WITH VARIABLE FEATURES. Identifiers: Orphanet 261, MedGen C2751807, MONDO:0013071, OMIM 612998.
Autosomal recessive ataxia, Beauce type. Also called: SYNE1-Related Autosomal Recessive Cerebellar Ataxia; Spinocerebellar ataxia, autosomal recessive 8; ATAXIA, RECESSIVE, OF BEAUCE; SYNE1 Deficiency. Identifiers: Orphanet 88644, MedGen C1853116, MONDO:0012549, OMIM 610743.

Submission:

Labcorp Genetics (formerly Invitae), Labcorp
Classification: Uncertain significance for Emery-Dreifuss muscular dystrophy 4, autosomal dominant; Autosomal recessive ataxia, Beauce type. Last evaluated: 2021-06-09. Review status: criteria provided, single submitter. Criteria: Invitae Variant Classification Sherloc (09022015). Collection method: clinical testing. Allele origin: germline.
Comment: This variant is not present in population databases (ExAC no frequency). In summary, the available evidence is currently insufficient to determine the role of this variant in disease. Therefore, it has been classified as a Variant of Uncertain Significance. Algorithms developed to predict the effect of missense changes on protein structure and function are either unavailable or do not agree on the potential impact of this missense change (SIFT: "Deleterious"; PolyPhen-2: "Possibly Damaging"; Align-GVGD: "Class C0"). This variant has not been reported in the literature in individuals with SYNE1-related conditions. This sequence change replaces glutamine with lysine at codon 3224 of the SYNE1 protein (p.Gln3224Lys). The glutamine residue is highly conserved and there is a small physicochemical difference between glutamine and lysine.